The following is an entry in ClinVar:

NM_000260.4(MYO7A):c.3938G>A (p.Gly1313Asp)

Gene: MYO7A (myosin VIIA; plus strand). Cytogenetic location: 11q13.5.
Variant type: single nucleotide variant.
Coding change: c.3938G>A on transcript NM_000260.4 (MANE Select); coding-DNA position 3938, G replaced by A.
Protein change: p.Gly1313Asp; replaces glycine 1313 with aspartic acid.
Molecular consequence: missense variant.
Genome position (GRCh38, 1-based): chr11:77,192,064, G>A. VCF-style: chr11-77192064-G-A. GRCh37 (hg19) VCF-style: chr11-76903109-G-A.
Other names: c.3938G>A, p.Gly1313Asp (NM_001127180.2); c.3905G>A, p.Gly1302Asp (NM_001369365.1); short protein forms G1313D, G1302D.
Identifiers: ClinVar variation 2016606 (VCV002016606.4), dbSNP rs2497407843, ClinGen allele CA381948397.
Genomic context (GRCh38, chr11:77,192,064, plus strand): 5'-GTCCTTCCCTGACTCTGTGCCTGCTCCCCTCCCCTCTGTGCCCACAGGTGTCCTCCCTGG[G>A]CAGCGGCAGTGACCACGTCATGGACGCCATCTCCCAGTGCGAGCAGTACGCCAAGGAGCA-3'
Protein context (NP_000251.3, residues 1303-1323): IALFDKVSSL[Gly1313Asp]SGSDHVMDAI

ClinVar aggregate classification (germline): Uncertain significance (1 of 4 stars; one submission).

gnomAD v4.1: 4 of 1,613,296 alleles (0.00025%); highest among the groups gnomAD compares: South Asian, 0.0011%; no homozygotes.

Submission:

Labcorp Genetics (formerly Invitae), Labcorp
Classification: Uncertain significance. Last evaluated: 2022-10-18. Review status: criteria provided, single submitter. Criteria: Invitae Variant Classification Sherloc (09022015). Collection method: clinical testing. Allele origin: germline.
Comment: This sequence change replaces glycine, which is neutral and non-polar, with aspartic acid, which is acidic and polar, at codon 1313 of the MYO7A protein (p.Gly1313Asp). This variant is not present in population databases (gnomAD no frequency). This variant has not been reported in the literature in individuals affected with MYO7A-related conditions. Advanced modeling of protein sequence and biophysical properties (such as structural, functional, and spatial information, amino acid conservation, physicochemical variation, residue mobility, and thermodynamic stability) performed at Invitae indicates that this missense variant is expected to disrupt MYO7A protein function. In summary, the available evidence is currently insufficient to determine the role of this variant in disease. Therefore, it has been classified as a Variant of Uncertain Significance.